The following is an entry in ClinVar:

ClinVar aggregate classification (germline): Uncertain significance. Review status: criteria provided, multiple submitters, no conflicts (2 of 4 stars). 2 submissions from 2 submitters: Uncertain significance (2). Last evaluated 2024-01-11.

Allele frequency attached by ClinVar (database versions not stated): ExAC 0.00001; TOPMed 0.00002; gnomAD 0.00003.

Submissions (2):

Labcorp Genetics (formerly Invitae), Labcorp
Classification: Uncertain significance. Last evaluated: 2024-01-11. Review status: criteria provided, single submitter. Criteria: Invitae Variant Classification Sherloc (09022015). Collection method: clinical testing. Allele origin: germline.
Comment: This sequence change replaces arginine, which is basic and polar, with glutamine, which is neutral and polar, at codon 1609 of the MYH7B protein (p.Arg1609Gln). This variant is present in population databases (rs778855717, gnomAD 0.003%). This variant has not been reported in the literature in individuals affected with MYH7B-related conditions. ClinVar contains an entry for this variant (Variation ID: 2372790). Advanced modeling of protein sequence and biophysical properties (such as structural, functional, and spatial information, amino acid conservation, physicochemical variation, residue mobility, and thermodynamic stability) performed at Invitae indicates that this missense variant is expected to disrupt MYH7B protein function with a positive predictive value of 80%. In summary, the available evidence is currently insufficient to determine the role of this variant in disease. Therefore, it has been classified as a Variant of Uncertain Significance.

Ambry Genetics
Classification: Uncertain significance. Last evaluated: 2021-07-14. Review status: criteria provided, single submitter. Criteria: Ambry Variant Classification Scheme 2023. Collection method: clinical testing. Allele origin: germline.

NM_020884.7(MYH7B):c.4700G>A (p.Arg1567Gln)

Gene: MYH7B (myosin heavy chain 7B; plus strand). Cytogenetic location: 20q11.22.
Variant type: single nucleotide variant.
Coding change: c.4700G>A on transcript NM_020884.7 (MANE Select); coding-DNA position 4700, G replaced by A.
Protein change: p.Arg1567Gln; replaces arginine 1567 with glutamine.
Molecular consequence: missense variant.
Genome position (GRCh38, 1-based): chr20:34,999,825, G>A. VCF-style: chr20-34999825-G-A. GRCh37 (hg19) VCF-style: chr20-33587628-G-A.
Other names: short protein forms R1567Q.
Identifiers: ClinVar variation 2372790 (VCV002372790.5), dbSNP rs778855717, ClinGen allele CA9828287.